The following is an entry in ClinVar:

NM_000138.5(FBN1):c.7677T>C (p.Asp2559=)

Gene: FBN1 (fibrillin 1; minus strand). Cytogenetic location: 15q21.1.
Variant type: single nucleotide variant.
Coding change: c.7677T>C on transcript NM_000138.5 (MANE Select); coding-DNA position 7677, T replaced by C.
Protein change: p.Asp2559=; no amino-acid change (aspartic acid 2559 retained).
Molecular consequence: synonymous variant.
Genome position (GRCh38, 1-based): chr15:48,421,580, A>G on the plus strand (T>C on the coding strand, the complement: FBN1 is on the minus strand). VCF-style: chr15-48421580-A-G. GRCh37 (hg19) VCF-style: chr15-48713777-A-G.
Identifiers: ClinVar variation 920534 (VCV000920534.29), dbSNP rs182358927, ClinGen allele CA058986.

ClinVar aggregate classification (germline): Likely benign. Review status: criteria provided, multiple submitters, no conflicts (2 of 4 stars). 8 submissions from 8 submitters: Likely benign (8). Last evaluated 2025-12-31.

Conditions:
Marfan syndrome (MFS). Also called: Marfan syndrome type 1; Marfan's syndrome; FBN1-Related Marfan Syndrome; MARFAN SYNDROME, TYPE I; Marfan syndrome, classic. Identifiers: Orphanet 284963, Orphanet 558, MedGen C0024796, MONDO:0007947, OMIM 154700.
Familial thoracic aortic aneurysm and aortic dissection (TAAD). Also called: Thoracic aortic aneurysms and dissections. Identifiers: Orphanet 91387, MedGen C4707243, MONDO:0019625.
FBN1-related disorder. Also called: FBN1-related disorders.

Allele frequency attached by ClinVar (database versions not stated): TOPMed 0.00002; ExAC 0.00003; gnomAD exomes 0.00003 and 0.00005.
gnomAD v4.1: 73 of 1,613,436 alleles (0.0045%); highest among the groups gnomAD compares: Non-Finnish European, 0.0061%; no homozygotes.

Submissions (8):

PreventionGenetics, part of Exact Sciences
Classification: Likely benign for FBN1-related condition. Last evaluated: 2025-12-31. Review status: criteria provided, single submitter. Criteria: ACMG Guidelines, 2015. Collection method: clinical testing. Allele origin: germline.
Comment: This variant is classified as likely benign based on ACMG/AMP sequence variant interpretation guidelines (Richards et al. 2015 PMID: 25741868, with internal and published modifications).

Labcorp Genetics (formerly Invitae), Labcorp
Classification: Likely benign for Marfan syndrome; Familial thoracic aortic aneurysm and aortic dissection. Last evaluated: 2025-10-27. Review status: criteria provided, single submitter. Criteria: Invitae Variant Classification Sherloc (09022015). Collection method: clinical testing. Allele origin: germline.

CeGaT Center for Human Genetics Tuebingen
Classification: Likely benign. Last evaluated: 2025-02-01. Review status: criteria provided, single submitter. Criteria: CeGaT Center For Human Genetics Tuebingen Variant Classification Criteria Version 2. Collection method: clinical testing. Allele origin: germline. Affected: yes. Observed: 1 variant allele.
Comment: FBN1: BP4, BP7

Blueprint Genetics
Classification: Likely benign. Last evaluated: 2024-05-27. Review status: criteria provided, single submitter. Criteria: ACMG Guidelines, 2015. Collection method: clinical testing. Allele origin: germline.

All of Us Research Program, National Institutes of Health
Classification: Likely benign for Marfan syndrome. Last evaluated: 2023-12-01. Review status: criteria provided, single submitter. Criteria: ACMG Guidelines, 2015. Collection method: clinical testing. Allele origin: germline. Inheritance: Autosomal dominant inheritance. Observed: 7 variant alleles, 7 heterozygotes.
Comment: This study involves interpretation of variants in research participants for the purpose of population health screening. Participant phenotype was not available at the time of variant classification. Additional details can be found in publication PMID: 35346344, PMCID: PMC8962531

Women's Health and Genetics/Laboratory Corporation of America, LabCorp
Classification: Likely benign. Last evaluated: 2023-08-24. Review status: criteria provided, single submitter. Criteria: LabCorp Variant Classification Summary - May 2015. Collection method: clinical testing. Allele origin: germline.

Ambry Genetics
Classification: Likely benign for Familial thoracic aortic aneurysm and aortic dissection. Last evaluated: 2020-09-06. Review status: criteria provided, single submitter. Criteria: Ambry Variant Classification Scheme 2023. Collection method: clinical testing. Allele origin: germline.

Color Diagnostics, LLC DBA Color Health
Classification: Likely benign for Familial thoracic aortic aneurysm and aortic dissection. Last evaluated: 2018-10-17. Review status: criteria provided, single submitter. Criteria: ACMG Guidelines, 2015. Collection method: clinical testing. Allele origin: germline.